The following is an entry in ClinVar:

ClinVar aggregate classification (germline): Uncertain significance (1 of 4 stars; one submission).

gnomAD v4.1: 26 of 1,614,076 alleles (0.0016%); highest among the groups gnomAD compares: Non-Finnish European, 0.0021%; no homozygotes.

Submission:

Labcorp Genetics (formerly Invitae), Labcorp
Classification: Uncertain significance. Last evaluated: 2025-09-20. Review status: criteria provided, single submitter. Criteria: Invitae Variant Classification Sherloc (09022015). Collection method: clinical testing. Allele origin: germline.
Comment: This sequence change replaces arginine, which is basic and polar, with glycine, which is neutral and non-polar, at codon 122 of the NDUFA10 protein (p.Arg122Gly). This variant is present in population databases (rs780163093, gnomAD 0.002%). This variant has not been reported in the literature in individuals affected with NDUFA10-related conditions. ClinVar contains an entry for this variant (Variation ID: 3620963). Invitae Evidence Modeling of protein sequence and biophysical properties (such as structural, functional, and spatial information, amino acid conservation, physicochemical variation, residue mobility, and thermodynamic stability) indicates that this missense variant is not expected to disrupt NDUFA10 protein function with a negative predictive value of 80%. In summary, the available evidence is currently insufficient to determine the role of this variant in disease. Therefore, it has been classified as a Variant of Uncertain Significance.

NM_004544.4(NDUFA10):c.364A>G (p.Arg122Gly)

Gene: NDUFA10 (NADH:ubiquinone oxidoreductase subunit A10; minus strand). Cytogenetic location: 2q37.3.
Variant type: single nucleotide variant.
Coding change: c.364A>G on transcript NM_004544.4 (MANE Select); coding-DNA position 364, A replaced by G.
Protein change: p.Arg122Gly; replaces arginine 122 with glycine.
Molecular consequence: missense variant. On other transcripts: non-coding transcript variant (4).
Genome position (GRCh38, 1-based): chr2:240,021,293, T>C on the plus strand (A>G on the coding strand, the complement: NDUFA10 is on the minus strand). VCF-style: chr2-240021293-T-C. GRCh37 (hg19) VCF-style: chr2-240960710-T-C.
Other names: c.364A>G, p.Arg122Gly (NM_001322019.2, NM_001322020.2, NM_001410987.1); short protein forms R122G.
Identifiers: ClinVar variation 3620963 (VCV003620963.2).